The following is an entry in ClinVar:

NM_002834.5(PTPN11):c.*2629A>G

Gene: PTPN11 (protein tyrosine phosphatase non-receptor type 11; plus strand). Cytogenetic location: 12q24.13.
Variant type: single nucleotide variant.
Coding change: c.*2629A>G on transcript NM_002834.5 (MANE Select); 2629 bases downstream of the stop codon, A replaced by G.
Molecular consequence: 3 prime UTR variant.
Genome position (GRCh38, 1-based): chr12:112,508,421, A>G. VCF-style: chr12-112508421-A-G. GRCh37 (hg19) VCF-style: chr12-112946225-A-G.
Other names: c.*2629A>G (NM_001330437.2, NM_001374625.1).
Identifiers: ClinVar variation 883489 (VCV000883489.4), dbSNP rs141655134, ClinGen allele CA243727673.
Genomic context (GRCh38, chr12:112,508,421, plus strand): 5'-ATGGAATCAGGCAGAGAGGCTGGGATGATGGAGAAAGCTCGAGGTGAAGTTTTAAAAAAA[A>G]AGTTGTGGAAAGGAAAGTTCCAAAGAGGTGGTTTCTGAGGAAGTCAGAGCGCCCAGGGCC-3'

ClinVar aggregate classification (germline): Benign/Likely benign. Review status: criteria provided, single submitter (1 of 4 stars). 3 submissions from 1 submitter: Benign (2); Likely benign (1). Last evaluated 2018-01-12.

Conditions:
Metachondromatosis (METCDS). Identifiers: Orphanet 2499, MedGen C0410530, MONDO:0007979, OMIM 156250.
Noonan syndrome 1 (NS1). Also called: TURNER PHENOTYPE WITH NORMAL KARYOTYPE; FEMALE PSEUDO-TURNER SYNDROME; PTPN11-Related Noonan Syndrome. Identifiers: Orphanet 648, MedGen C4551602, MONDO:0008104, OMIM 163950. Disease mechanism: gain of function.
LEOPARD syndrome 1 (LPRD1). Also called: LENTIGINOSIS, CARDIOMYOPATHIC; MULTIPLE LENTIGINES SYNDROME; PTPN11-Related LEOPARD Syndrome. Identifiers: Orphanet 500, MedGen C4551484, MONDO:0100082, OMIM 151100.

Allele frequency attached by ClinVar (database versions not stated): 1000 Genomes Project 30x 0.00031; 1000 Genomes Project 0.00040; TOPMed 0.00112; gnomAD exomes 0.01064.

Submissions (3):

Illumina Laboratory Services, Illumina
Classification: Benign for LEOPARD syndrome 1. Last evaluated: 2018-01-12. Review status: criteria provided, single submitter. Criteria: ICSL Variant Classification Criteria 13 December 2019. Collection method: clinical testing. Allele origin: germline.
Comment: This variant was observed in the ICSL laboratory as part of a predisposition screen in an ostensibly healthy population. It had not been previously curated by ICSL or reported in the Human Gene Mutation Database (HGMD: prior to June 1st, 2018), and was therefore a candidate for classification through an automated scoring system. Utilizing variant allele frequency, disease prevalence and penetrance estimates, and inheritance mode, an automated score was calculated to assess if this variant is too frequent to cause the disease. Based on the score and internal cut-off values, a variant classified as benign is not then subjected to further curation. The score for this variant resulted in a classification of benign for this disease.

Illumina Laboratory Services, Illumina
Classification: Likely benign for Noonan syndrome 1. Last evaluated: 2018-01-12. Review status: criteria provided, single submitter. Criteria: ICSL Variant Classification Criteria 13 December 2019. Collection method: clinical testing. Allele origin: germline.
Comment: This variant was observed in the ICSL laboratory as part of a predisposition screen in an ostensibly healthy population. It had not been previously curated by ICSL or reported in the Human Gene Mutation Database (HGMD: prior to June 1st, 2018), and was therefore a candidate for classification through an automated scoring system. Utilizing variant allele frequency, disease prevalence and penetrance estimates, and inheritance mode, an automated score was calculated to assess if this variant is too frequent to cause the disease. Based on the score and internal cut-off values, a variant classified as likely benign is not then subjected to further curation. The score for this variant resulted in a classification of likely benign for this disease.

Illumina Laboratory Services, Illumina
Classification: Benign for Metachondromatosis. Last evaluated: 2018-01-12. Review status: criteria provided, single submitter. Criteria: ICSL Variant Classification Criteria 13 December 2019. Collection method: clinical testing. Allele origin: germline.
Comment: the same text as in the submission from Illumina Laboratory Services, Illumina above.